The following is an entry in ClinVar:

NM_020529.3(NFKBIA):c.548-3C>T

Gene: NFKBIA (NFKB inhibitor alpha; minus strand). Cytogenetic location: 14q13.2.
Variant type: single nucleotide variant.
Coding change: c.548-3C>T on transcript NM_020529.3 (MANE Select); 3 bases into the intron before coding-DNA position 548, C replaced by T.
Molecular consequence: intron variant.
Genome position (GRCh38, 1-based): chr14:35,402,862, G>A on the plus strand (C>T on the coding strand, the complement: NFKBIA is on the minus strand). VCF-style: chr14-35402862-G-A. GRCh37 (hg19) VCF-style: chr14-35872068-G-A.
Identifiers: ClinVar variation 313112 (VCV000313112.50), dbSNP rs2233418, ClinGen allele CA7155419.

ClinVar aggregate classification (germline): Benign/Likely benign. Review status: criteria provided, multiple submitters, no conflicts (2 of 4 stars). 7 submissions from 7 submitters: Benign (3); Likely benign (3). 1 of the submissions does not count toward it. Last evaluated 2026-08-01.

Conditions:
Ectodermal dysplasia and immunodeficiency 2. Identifiers: Orphanet 238468, Orphanet 98813, MedGen C2677481, MONDO:0012806, OMIM 612132.

Allele frequency attached by ClinVar (database versions not stated): 1000 Genomes Project 30x 0.00141; 1000 Genomes Project 0.00180; TOPMed 0.00521; gnomAD exomes 0.00612 and 0.00724; gnomAD 0.00626 and 0.00648; ESP Exome Variant Server 0.00638; ExAC 0.00661.
gnomAD v4.1: 11,446 of 1,613,370 alleles (0.71%); highest among the groups gnomAD compares: Non-Finnish European, 0.84%; 65 homozygotes.

Submissions 1 to 30 of 57:

CeGaT Center for Human Genetics Tuebingen
Classification: Likely benign. Last evaluated: 2026-08-01. Review status: criteria provided, single submitter. Criteria: CeGaT Center For Human Genetics Tuebingen Variant Classification Criteria Version 2. Collection method: clinical testing. Allele origin: germline. Affected: yes. Observed: 30 variant alleles.
Comment: NFKBIA: BP4, BS2

Labcorp Genetics (formerly Invitae), Labcorp
Classification: Benign for Ectodermal dysplasia and immunodeficiency 2. Last evaluated: 2026-02-01. Review status: criteria provided, single submitter. Criteria: Invitae Variant Classification Sherloc (09022015). Collection method: clinical testing. Allele origin: germline.

ARUP Laboratories, Molecular Genetics and Genomics, ARUP Laboratories
Classification: Benign for Ectodermal dysplasia and immunodeficiency 2. Last evaluated: 2025-06-23. Review status: criteria provided, single submitter. Criteria: ARUP Molecular Germline Variant Investigation Process 2024. Collection method: clinical testing. Allele origin: germline.

Blueprint Genetics
Classification: Likely benign. Last evaluated: 2024-11-26. Review status: criteria provided, single submitter. Criteria: ACMG Guidelines, 2015. Collection method: clinical testing. Allele origin: germline.

Illumina Laboratory Services, Illumina
Classification: Benign for Ectodermal dysplasia and immunodeficiency 2. Last evaluated: 2018-01-13. Review status: criteria provided, single submitter. Criteria: ICSL Variant Classification Criteria 13 December 2019. Collection method: clinical testing. Allele origin: germline.
Comment: This variant was observed in the ICSL laboratory as part of a predisposition screen in an ostensibly healthy population. It had not been previously curated by ICSL or reported in the Human Gene Mutation Database (HGMD: prior to June 1st, 2018), and was therefore a candidate for classification through an automated scoring system. Utilizing variant allele frequency, disease prevalence and penetrance estimates, and inheritance mode, an automated score was calculated to assess if this variant is too frequent to cause the disease. Based on the score and internal cut-off values, a variant classified as benign is not then subjected to further curation. The score for this variant resulted in a classification of benign for this disease.

Genome Diagnostics Laboratory, University Medical Center Utrecht
Classification: Likely benign for Ectodermal dysplasia and immunodeficiency 2. Last evaluated: 2015-07-30. Review status: criteria provided, single submitter. Criteria: ACGS Guidelines, 2013. Collection method: clinical testing. Allele origin: germline. Affected: yes. Study: VKGL Data-share Consensus.

Diagnostic Laboratory, Department of Genetics, University Medical Center Groningen
Classification: Likely benign for Ectodermal dysplasia and immunodeficiency 2. Review status: no assertion criteria provided. Collection method: clinical testing. Allele origin: germline. Affected: yes. Study: VKGL Data-share Consensus. Not counted in ClinVar's aggregate classification.

Dr. Peter K. Rogan Lab, Western University
No classification provided (evidence only). Condition: Clear cell carcinoma of kidney. Review status: no classification provided. Collection method: in vitro. Allele origin: not applicable. Functional consequence: retained intron. Not counted in ClinVar's aggregate classification.

Dr. Peter K. Rogan Lab, Western University
No classification provided (evidence only). Condition: Clear cell carcinoma of kidney. Review status: no classification provided. Collection method: in vitro. Allele origin: not applicable. Functional consequence: retained intron. Not counted in ClinVar's aggregate classification.

Dr. Peter K. Rogan Lab, Western University
No classification provided (evidence only). Condition: Clear cell carcinoma of kidney. Review status: no classification provided. Collection method: in vitro. Allele origin: not applicable. Functional consequence: retained intron. Not counted in ClinVar's aggregate classification.

Dr. Peter K. Rogan Lab, Western University
No classification provided (evidence only). Condition: Clear cell carcinoma of kidney. Review status: no classification provided. Collection method: in vitro. Allele origin: not applicable. Functional consequence: retained intron. Not counted in ClinVar's aggregate classification.

Dr. Peter K. Rogan Lab, Western University
No classification provided (evidence only). Condition: Lung cancer. Review status: no classification provided. Collection method: in vitro. Allele origin: not applicable. Functional consequence: retained intron. Not counted in ClinVar's aggregate classification.

Dr. Peter K. Rogan Lab, Western University
No classification provided (evidence only). Condition: Lung cancer. Review status: no classification provided. Collection method: in vitro. Allele origin: not applicable. Functional consequence: retained intron. Not counted in ClinVar's aggregate classification.

Dr. Peter K. Rogan Lab, Western University
No classification provided (evidence only). Condition: Lung cancer. Review status: no classification provided. Collection method: in vitro. Allele origin: not applicable. Functional consequence: retained intron. Not counted in ClinVar's aggregate classification.

Dr. Peter K. Rogan Lab, Western University
No classification provided (evidence only). Condition: Lung cancer. Review status: no classification provided. Collection method: in vitro. Allele origin: not applicable. Functional consequence: retained intron. Not counted in ClinVar's aggregate classification.

Dr. Peter K. Rogan Lab, Western University
No classification provided (evidence only). Condition: Melanoma. Review status: no classification provided. Collection method: in vitro. Allele origin: not applicable. Functional consequence: retained intron. Not counted in ClinVar's aggregate classification.

Dr. Peter K. Rogan Lab, Western University
No classification provided (evidence only). Condition: Melanoma. Review status: no classification provided. Collection method: in vitro. Allele origin: not applicable. Functional consequence: retained intron. Not counted in ClinVar's aggregate classification.

Dr. Peter K. Rogan Lab, Western University
No classification provided (evidence only). Condition: Melanoma. Review status: no classification provided. Collection method: in vitro. Allele origin: not applicable. Functional consequence: retained intron. Not counted in ClinVar's aggregate classification.

Dr. Peter K. Rogan Lab, Western University
No classification provided (evidence only). Condition: Familial cancer of breast. Review status: no classification provided. Collection method: in vitro. Allele origin: not applicable. Functional consequence: retained intron. Not counted in ClinVar's aggregate classification.

Dr. Peter K. Rogan Lab, Western University
No classification provided (evidence only). Condition: Acute myeloid leukemia. Review status: no classification provided. Collection method: in vitro. Allele origin: not applicable. Functional consequence: retained intron. Not counted in ClinVar's aggregate classification.

Dr. Peter K. Rogan Lab, Western University
No classification provided (evidence only). Condition: Acute myeloid leukemia. Review status: no classification provided. Collection method: in vitro. Allele origin: not applicable. Functional consequence: retained intron. Not counted in ClinVar's aggregate classification.

Dr. Peter K. Rogan Lab, Western University
No classification provided (evidence only). Condition: Colon adenocarcinoma. Review status: no classification provided. Collection method: in vitro. Allele origin: not applicable. Functional consequence: retained intron. Not counted in ClinVar's aggregate classification.

Dr. Peter K. Rogan Lab, Western University
No classification provided (evidence only). Condition: Colon adenocarcinoma. Review status: no classification provided. Collection method: in vitro. Allele origin: not applicable. Functional consequence: retained intron. Not counted in ClinVar's aggregate classification.

Dr. Peter K. Rogan Lab, Western University
No classification provided (evidence only). Condition: Colon adenocarcinoma. Review status: no classification provided. Collection method: in vitro. Allele origin: not applicable. Functional consequence: retained intron. Not counted in ClinVar's aggregate classification.

Dr. Peter K. Rogan Lab, Western University
No classification provided (evidence only). Condition: Colorectal cancer. Review status: no classification provided. Collection method: in vitro. Allele origin: not applicable. Functional consequence: retained intron. Not counted in ClinVar's aggregate classification.

Dr. Peter K. Rogan Lab, Western University
No classification provided (evidence only). Condition: Colorectal cancer. Review status: no classification provided. Collection method: in vitro. Allele origin: not applicable. Functional consequence: retained intron. Not counted in ClinVar's aggregate classification.

Dr. Peter K. Rogan Lab, Western University
No classification provided (evidence only). Condition: Colorectal cancer. Review status: no classification provided. Collection method: in vitro. Allele origin: not applicable. Functional consequence: retained intron. Not counted in ClinVar's aggregate classification.

Dr. Peter K. Rogan Lab, Western University
No classification provided (evidence only). Condition: Uterine corpus endometrial carcinoma. Review status: no classification provided. Collection method: in vitro. Allele origin: not applicable. Functional consequence: retained intron. Not counted in ClinVar's aggregate classification.

Dr. Peter K. Rogan Lab, Western University
No classification provided (evidence only). Condition: Uterine corpus endometrial carcinoma. Review status: no classification provided. Collection method: in vitro. Allele origin: not applicable. Functional consequence: retained intron. Not counted in ClinVar's aggregate classification.

Dr. Peter K. Rogan Lab, Western University
No classification provided (evidence only). Condition: Cervical cancer. Review status: no classification provided. Collection method: in vitro. Allele origin: not applicable. Functional consequence: retained intron. Not counted in ClinVar's aggregate classification.